The following is an entry in ClinVar:

ClinVar aggregate classification (germline): Uncertain significance (1 of 4 stars; one submission).

Conditions:
Cystic fibrosis (CF). Also called: MUCOVISCIDOSIS. Identifiers: Orphanet 586, MedGen C0010674, MONDO:0009061, OMIM 219700. Disease mechanism: loss of function.

Submission:

Labcorp Genetics (formerly Invitae), Labcorp
Classification: Uncertain significance for Cystic fibrosis. Last evaluated: 2025-12-28. Review status: criteria provided, single submitter. Criteria: Invitae Variant Classification Sherloc (09022015). Collection method: clinical testing. Allele origin: germline.
Comment: This sequence change replaces isoleucine, which is neutral and non-polar, with methionine, which is neutral and non-polar, at codon 86 of the CFTR protein (p.Ile86Met). This variant is not present in population databases (gnomAD no frequency). This variant has not been reported in the literature in individuals affected with CFTR-related conditions. Invitae Evidence Modeling of protein sequence and biophysical properties (such as structural, functional, and spatial information, amino acid conservation, physicochemical variation, residue mobility, and thermodynamic stability) indicates that this missense variant is expected to disrupt CFTR protein function with a positive predictive value of 80%. In summary, the available evidence is currently insufficient to determine the role of this variant in disease. Therefore, it has been classified as a Variant of Uncertain Significance.

NM_000492.4(CFTR):c.258C>G (p.Ile86Met)

Gene: CFTR (CF transmembrane conductance regulator; plus strand). Cytogenetic location: 7q31.2.
Variant type: single nucleotide variant.
Coding change: c.258C>G on transcript NM_000492.4 (MANE Select); coding-DNA position 258, C replaced by G.
Protein change: p.Ile86Met; replaces isoleucine 86 with methionine.
Molecular consequence: missense variant.
Genome position (GRCh38, 1-based): chr7:117,509,127, C>G. VCF-style: chr7-117509127-C-G. GRCh37 (hg19) VCF-style: chr7-117149181-C-G.
Other names: short protein forms I86M.
Identifiers: ClinVar variation 4746047 (VCV004746047.1).